The following is an entry in ClinVar:

ClinVar aggregate classification (germline): Likely pathogenic (1 of 4 stars; one submission).

Submission:

Labcorp Genetics (formerly Invitae), Labcorp
Classification: Likely pathogenic. Last evaluated: 2023-01-05. Review status: criteria provided, single submitter. Criteria: Invitae Variant Classification Sherloc (09022015). Collection method: clinical testing. Allele origin: germline.
Comment: In summary, the currently available evidence indicates that the variant is pathogenic, but additional data are needed to prove that conclusively. Therefore, this variant has been classified as Likely Pathogenic. Algorithms developed to predict the effect of sequence changes on RNA splicing suggest that this variant may disrupt the consensus splice site. Disruption of this splice site has been observed in individual(s) with clinical features of retinitis pigmentosa (PMID: 34448047; Invitae). This variant is not present in population databases (gnomAD no frequency). This sequence change affects a donor splice site in intron 1 of the PDE6B gene. It is expected to disrupt RNA splicing. Variants that disrupt the donor or acceptor splice site typically lead to a loss of protein function (PMID: 16199547), and loss-of-function variants in PDE6B are known to be pathogenic (PMID: 8394174, 8595886, 22334370).

Literature cited by the submitters: PubMed 34448047; PubMed 16199547; PubMed 8394174; PubMed 8595886; PubMed 22334370.

NM_000283.4(PDE6B):c.468+1G>A

Gene: PDE6B (phosphodiesterase 6B; plus strand). Cytogenetic location: 4p16.3.
Variant type: single nucleotide variant.
Coding change: c.468+1G>A on transcript NM_000283.4 (MANE Select); the canonical splice donor site of the intron after coding-DNA position 468, G replaced by A.
Molecular consequence: splice donor variant.
Genome position (GRCh38, 1-based): chr4:626,095, G>A. VCF-style: chr4-626095-G-A. GRCh37 (hg19) VCF-style: chr4-619884-G-A.
Other names: c.468+1G>A (NM_001145291.2).
Identifiers: ClinVar variation 2805513 (VCV002805513.3), dbSNP rs2474075677, ClinGen allele CA355907348.